The following is an entry in ClinVar:

ClinVar aggregate classification (germline): Uncertain significance (1 of 4 stars; one submission).

Allele frequency attached by ClinVar (database versions not stated): gnomAD exomes below 0.00001; TOPMed below 0.00001.

Submission:

Labcorp Genetics (formerly Invitae), Labcorp
Classification: Uncertain significance. Last evaluated: 2022-04-23. Review status: criteria provided, single submitter. Criteria: Invitae Variant Classification Sherloc (09022015). Collection method: clinical testing. Allele origin: germline.
Comment: In summary, the available evidence is currently insufficient to determine the role of this variant in disease. Therefore, it has been classified as a Variant of Uncertain Significance. This sequence change replaces aspartic acid, which is acidic and polar, with glutamic acid, which is acidic and polar, at codon 49 of the LRAT protein (p.Asp49Glu). This variant is present in population databases (no rsID available, gnomAD 0.003%). This variant has not been reported in the literature in individuals affected with LRAT-related conditions. Algorithms developed to predict the effect of missense changes on protein structure and function are either unavailable or do not agree on the potential impact of this missense change (SIFT: "Deleterious"; PolyPhen-2: "Probably Damaging"; Align-GVGD: "Class C0").

NM_004744.5(LRAT):c.147C>G (p.Asp49Glu)

Gene: LRAT (lecithin retinol acyltransferase; plus strand). Cytogenetic location: 4q32.1.
Variant type: single nucleotide variant.
Coding change: c.147C>G on transcript NM_004744.5 (MANE Select); coding-DNA position 147, C replaced by G.
Protein change: p.Asp49Glu; replaces aspartic acid 49 with glutamic acid.
Molecular consequence: missense variant.
Genome position (GRCh38, 1-based): chr4:154,744,473, C>G. VCF-style: chr4-154744473-C-G. GRCh37 (hg19) VCF-style: chr4-155665625-C-G.
Other names: c.147C>G, p.Asp49Glu (NM_001301645.2); short protein forms D49E.
Identifiers: ClinVar variation 2110534 (VCV002110534.4), dbSNP rs1312281521, ClinGen allele CA358630080.